The following is an entry in ClinVar:

NM_001849.4(COL6A2):c.950G>A (p.Arg317His)

Gene: COL6A2 (collagen type VI alpha 2 chain; plus strand). Cytogenetic location: 21q22.3.
Variant type: single nucleotide variant.
Coding change: c.950G>A on transcript NM_001849.4 (MANE Select); coding-DNA position 950, G replaced by A.
Protein change: p.Arg317His; replaces arginine 317 with histidine.
Molecular consequence: missense variant.
Genome position (GRCh38, 1-based): chr21:46,116,673, G>A. VCF-style: chr21-46116673-G-A. GRCh37 (hg19) VCF-style: chr21-47536587-G-A.
Other names: p.Arg317His; c.950G>A (NM_001849.3); c.950G>A, p.Arg317His (NM_058174.3, NM_058175.3); short protein forms R317H.
Identifiers: ClinVar variation 502230 (VCV000502230.36), dbSNP rs373782637, ClinGen allele CA10071566.

ClinVar aggregate classification (germline): Uncertain significance. Review status: criteria provided, multiple submitters, no conflicts (2 of 4 stars). 6 submissions from 6 submitters: Uncertain significance (6). Last evaluated 2025-11-26.

Conditions:
Bethlem myopathy 1A. Also called: MYOPATHY, BENIGN CONGENITAL, WITH CONTRACTURES; Bethlem Muscular Dystrophy; Bethlem myopathy 1. Identifiers: Orphanet 610, MedGen CN029274, MONDO:0024530, OMIM 158810.
Inborn genetic diseases. Identifiers: MedGen C0950123, MeSH D030342.

Allele frequency attached by ClinVar (database versions not stated): gnomAD 0.00004 and 0.00003; ESP Exome Variant Server 0.00008; ExAC 0.00002; gnomAD exomes 0.00002; TOPMed 0.00003.
gnomAD v4.1: 47 of 1,612,956 alleles (0.0029%); highest among the groups gnomAD compares: East Asian, 0.0089%; 1 homozygote.

Submissions (6):

Ambry Genetics
Classification: Uncertain significance for Inborn genetic diseases. Last evaluated: 2025-11-26. Review status: criteria provided, single submitter. Criteria: Ambry Variant Classification Scheme 2023. Collection method: clinical testing. Allele origin: germline.

Labcorp Genetics (formerly Invitae), Labcorp
Classification: Uncertain significance for Bethlem myopathy 1A. Last evaluated: 2025-10-17. Review status: criteria provided, single submitter. Criteria: Invitae Variant Classification Sherloc (09022015). Collection method: clinical testing. Allele origin: germline.
Comment: This sequence change replaces arginine, which is basic and polar, with histidine, which is basic and polar, at codon 317 of the COL6A2 protein (p.Arg317His). This variant is present in population databases (rs373782637, gnomAD 0.004%). This variant has not been reported in the literature in individuals affected with COL6A2-related conditions. ClinVar contains an entry for this variant (Variation ID: 502230). Invitae Evidence Modeling of protein sequence and biophysical properties (such as structural, functional, and spatial information, amino acid conservation, physicochemical variation, residue mobility, and thermodynamic stability) indicates that this missense variant is not expected to disrupt COL6A2 protein function with a negative predictive value of 80%. In summary, the available evidence is currently insufficient to determine the role of this variant in disease. Therefore, it has been classified as a Variant of Uncertain Significance.

Mayo Clinic Laboratories, Mayo Clinic
Classification: Uncertain significance. Last evaluated: 2024-01-31. Review status: criteria provided, single submitter. Criteria: ACMG Guidelines, 2015. Collection method: clinical testing. Allele origin: germline. Observed: 1 variant allele.

CeGaT Center for Human Genetics Tuebingen
Classification: Uncertain significance. Last evaluated: 2024-01-01. Review status: criteria provided, single submitter. Criteria: CeGaT Center For Human Genetics Tuebingen Variant Classification Criteria Version 2. Collection method: clinical testing. Allele origin: germline. Affected: yes. Observed: 1 variant allele.
Comment: COL6A2: PM2

Revvity Omics, Revvity
Classification: Uncertain significance. Last evaluated: 2019-03-12. Review status: criteria provided, single submitter. Criteria: ACMG Guidelines, 2015. Collection method: clinical testing. Allele origin: germline.

Eurofins Ntd Llc (ga)
Classification: Uncertain significance. Last evaluated: 2017-05-25. Review status: criteria provided, single submitter. Criteria: EGL Classification Definitions 2015. Collection method: clinical testing. Allele origin: germline. Observed: 1 variant allele, 1 heterozygote.